The following is an entry in ClinVar:

ClinVar aggregate classification (germline): Uncertain significance (1 of 4 stars; one submission).

Submission:

Ambry Genetics
Classification: Uncertain significance. Last evaluated: 2023-06-10. Review status: criteria provided, single submitter. Criteria: Ambry Variant Classification Scheme 2023. Collection method: clinical testing. Allele origin: germline.
Comment: The p.N227S variant (also known as c.680A>G), located in coding exon 2 of the TERF2IP gene, results from an A to G substitution at nucleotide position 680. The asparagine at codon 227 is replaced by serine, an amino acid with highly similar properties. This amino acid position is conserved. In addition, this alteration is predicted to be tolerated by in silico analysis. Since supporting evidence is limited at this time, the clinical significance of this alteration remains unclear.

NM_018975.4(TERF2IP):c.680A>G (p.Asn227Ser)

Gene: TERF2IP (TERF2 interacting protein; plus strand). Cytogenetic location: 16q23.1.
Variant type: single nucleotide variant.
Coding change: c.680A>G on transcript NM_018975.4 (MANE Select); coding-DNA position 680, A replaced by G.
Protein change: p.Asn227Ser; replaces asparagine 227 with serine.
Molecular consequence: missense variant. On other transcripts: non-coding transcript variant (1).
Genome position (GRCh38, 1-based): chr16:75,654,282, A>G. VCF-style: chr16-75654282-A-G. GRCh37 (hg19) VCF-style: chr16-75688180-A-G.
Other names: short protein forms N227S.
Identifiers: ClinVar variation 2561638 (VCV002561638.2), dbSNP rs2507086210, ClinGen allele CA396818911.